The following is an entry in ClinVar:

ClinVar aggregate classification (germline): Pathogenic (1 of 4 stars; one submission).

Submission:

Labcorp Genetics (formerly Invitae), Labcorp
Classification: Pathogenic. Last evaluated: 2023-01-30. Review status: criteria provided, single submitter. Criteria: Invitae Variant Classification Sherloc (09022015). Collection method: clinical testing. Allele origin: germline.
Comment: For these reasons, this variant has been classified as Pathogenic. This variant has not been reported in the literature in individuals affected with COL11A2-related conditions. Information on the frequency of this variant in the gnomAD database is not available, as this variant may be reported differently in the database. This sequence change creates a premature translational stop signal (p.Gln1442*) in the COL11A2 gene. It is expected to result in an absent or disrupted protein product. Loss-of-function variants in COL11A2 are known to be pathogenic (PMID: 10677296, 21204229).

Literature cited by the submitters: PubMed 10677296; PubMed 21204229.

NM_080680.3(COL11A2):c.4323_4324delinsTT (p.Gln1442Ter)

Gene: COL11A2 (collagen type XI alpha 2 chain; minus strand). Cytogenetic location: 6p21.32.
Variant type: Indel.
Coding change: c.4323_4324delinsTT on transcript NM_080680.3 (MANE Select); coding-DNA positions 4323 to 4324, GC replaced by TT.
Protein change: p.Gln1442Ter; replaces glutamine 1442 with a stop codon.
Molecular consequence: nonsense.
Genome position (GRCh38, 1-based): chr6:33,166,734-33,166,735, GC replaced by AA on the plus strand (GC replaced by TT on the coding strand, the reverse complement: COL11A2 is on the minus strand). VCF-style: chr6-33166734-GC-AA. GRCh37 (hg19) VCF-style: chr6-33134511-GC-AA.
Other names: c.4143_4144delinsTT, p.Gln1382Ter (NM_001424108.1); c.3477_3478delinsTT, p.Gln1160Ter (NM_001424109.1); c.3297_3298delinsTT, p.Gln1100Ter (NM_001424110.1, NM_001424111.1); c.2277_2278delinsTT, p.Gln760Ter (NM_001424112.1); c.4002_4003delinsTT, p.Gln1335Ter (NM_080679.3); c.4065_4066delinsTT, p.Gln1356Ter (NM_080681.3); short protein forms Q1382*, Q1442*, Q1100*, Q1160*, Q1335*, Q1356*, Q760*.
Identifiers: ClinVar variation 2913768 (VCV002913768.3), dbSNP rs2534528568, ClinGen allele CA2739273026.